The following is an entry in ClinVar:

ClinVar aggregate classification (germline): Benign. Review status: criteria provided, multiple submitters, no conflicts (2 of 4 stars). 3 submissions from 3 submitters: Benign (2). 1 of the submissions does not count toward it. Last evaluated 2019-03-14.

Conditions:
DNHD1-related disorder. Also called: DNHD1-related condition.

Allele frequency attached by ClinVar (database versions not stated): gnomAD 0.67011 and 0.67626; ESP Exome Variant Server 0.67411; TOPMed 0.67491; gnomAD exomes 0.67989 and 0.69223; 1000 Genomes Project 30x 0.71736; ExAC 0.71990; 1000 Genomes Project 0.72544.
gnomAD v4.1: 1,055,203 of 1,550,856 alleles (68%); highest among the groups gnomAD compares: East Asian, 87%; 360,852 homozygotes.

Submissions (3):

GeneDx
Classification: Benign. Last evaluated: 2019-03-14. Review status: criteria provided, single submitter. Criteria: GeneDx Variant Classification Process June 2021. Collection method: clinical testing. Allele origin: germline. Affected: yes.

Breakthrough Genomics
Classification: Benign. Review status: criteria provided, single submitter. Criteria: ACMG Guidelines, 2015. Collection method: not provided. Allele origin: germline. Inheritance: Autosomal recessive inheritance. Affected: yes.

PreventionGenetics, part of Exact Sciences
Classification: Benign for DNHD1-related condition. Last evaluated: 2023-11-29. Review status: no assertion criteria provided. Collection method: clinical testing. Allele origin: germline. Not counted in ClinVar's aggregate classification.
Comment: This variant is classified as benign based on ACMG/AMP sequence variant interpretation guidelines (Richards et al. 2015 PMID: 25741868, with internal and published modifications).

NM_144666.3(DNHD1):c.2081A>G (p.Asn694Ser)

Gene: DNHD1 (dynein heavy chain domain 1; plus strand). Cytogenetic location: 11p15.4.
Variant type: single nucleotide variant.
Coding change: c.2081A>G on transcript NM_144666.3 (MANE Select); coding-DNA position 2081, A replaced by G.
Protein change: p.Asn694Ser; replaces asparagine 694 with serine.
Molecular consequence: missense variant.
Genome position (GRCh38, 1-based): chr11:6,528,765, A>G. VCF-style: chr11-6528765-A-G. GRCh37 (hg19) VCF-style: chr11-6549995-A-G.
Other names: short protein forms N694S.
Identifiers: ClinVar variation 1287986 (VCV001287986.4), dbSNP rs7480644, ClinGen allele CA5855741.
Genomic context (GRCh38, chr11:6,528,765, plus strand): 5'-ACAATTATAAGCAGCTGGAGGAAGACCTGGACAACAACCCTAAGATCCAGCAGGCACTGA[A>G]TATACAACAGGTGCTGCTGGAGGTGAGAACAGTGGTTTAAGGGATAGGGCGCTGCCCACC-3'
Protein context (NP_653267.2, residues 684-704): DNNPKIQQAL[Asn694Ser]IQQVLLEGVL